The following is an entry in ClinVar:

NM_001987.5(ETV6):c.82G>C (p.Ala28Pro)

Gene: ETV6 (ETS variant transcription factor 6; plus strand). Cytogenetic location: 12p13.2.
Variant type: single nucleotide variant.
Coding change: c.82G>C on transcript NM_001987.5 (MANE Select); coding-DNA position 82, G replaced by C.
Protein change: p.Ala28Pro; replaces alanine 28 with proline.
Molecular consequence: missense variant. On other transcripts: intron variant (1).
Genome position (GRCh38, 1-based): chr12:11,752,498, G>C. VCF-style: chr12-11752498-G-C. GRCh37 (hg19) VCF-style: chr12-11905432-G-C.
Other names: c.79G>C, p.Ala27Pro (NM_001413913.1); c.55G>C, p.Ala19Pro (NM_001413914.1); c.82G>C, p.Ala28Pro (NM_001413916.1, NM_001413917.1, NM_001413918.1); c.-101-86642G>C (NM_001413915.1); short protein forms A27P, A19P, A28P.
Identifiers: ClinVar variation 2819424 (VCV002819424.4), dbSNP rs34966596, ClinGen allele CA384041626.

ClinVar aggregate classification (germline): Conflicting classifications of pathogenicity. Review status: criteria provided, conflicting classifications (1 of 4 stars). 2 submissions from 2 submitters: Uncertain significance (1); Likely benign (1). Last evaluated 2025-09-08.

Conditions:
Inborn genetic diseases. Identifiers: MedGen C0950123, MeSH D030342.

gnomAD v4.1: 15 of 1,613,728 alleles (0.00093%); highest among the groups gnomAD compares: Non-Finnish European, 0.0011%; no homozygotes.

Submissions (2):

Labcorp Genetics (formerly Invitae), Labcorp
Classification: Uncertain significance. Last evaluated: 2025-09-08. Review status: criteria provided, single submitter. Criteria: Invitae Variant Classification Sherloc (09022015). Collection method: clinical testing. Allele origin: germline.
Comment: This sequence change replaces alanine, which is neutral and non-polar, with proline, which is neutral and non-polar, at codon 28 of the ETV6 protein (p.Ala28Pro). This variant is present in population databases (no rsID available, gnomAD 0.007%). This variant has not been reported in the literature in individuals affected with ETV6-related conditions. ClinVar contains an entry for this variant (Variation ID: 2819424). Invitae Evidence Modeling of protein sequence and biophysical properties (such as structural, functional, and spatial information, amino acid conservation, physicochemical variation, residue mobility, and thermodynamic stability) indicates that this missense variant is not expected to disrupt ETV6 protein function with a negative predictive value of 80%. In summary, the available evidence is currently insufficient to determine the role of this variant in disease. Therefore, it has been classified as a Variant of Uncertain Significance.

Ambry Genetics
Classification: Likely benign for Inborn genetic diseases. Last evaluated: 2025-04-03. Review status: criteria provided, single submitter. Criteria: Ambry Variant Classification Scheme 2023. Collection method: clinical testing. Allele origin: germline.